The following is an entry in ClinVar:

NM_000297.4(PKD2):c.1663C>T (p.Gln555Ter)

Gene: PKD2 (polycystin 2, transient receptor potential cation channel; plus strand). Cytogenetic location: 4q22.1.
Variant type: single nucleotide variant.
Coding change: c.1663C>T on transcript NM_000297.4 (MANE Select); coding-DNA position 1663, C replaced by T.
Protein change: p.Gln555Ter; replaces glutamine 555 with a stop codon.
Molecular consequence: nonsense. On other transcripts: non-coding transcript variant (1).
Genome position (GRCh38, 1-based): chr4:88,052,105, C>T. VCF-style: chr4-88052105-C-T. GRCh37 (hg19) VCF-style: chr4-88973257-C-T.
Other names: short protein forms Q555*.
Identifiers: ClinVar variation 997403 (VCV000997403.1), dbSNP rs1720127024, ClinGen allele CA357622108.

ClinVar aggregate classification (germline): Pathogenic (0 of 4 stars; one submission).

Conditions:
Polycystic kidney disease. Also called: Polycystic kidney dysplasia; Kidney, Polycystic. Identifiers: MedGen C0022680, MeSH D007690, MONDO:0020642, HP:0000113.

Submission:

Department of Pathology and Laboratory Medicine, Sinai Health System
Classification: Pathogenic for Polycystic Kidney disease. Review status: no assertion criteria provided. Collection method: clinical testing. Allele origin: unknown. Affected: yes. Study: The Canadian Open Genetics Repository (COGR).
Comment: The PKD2 p.Gln555* variant was identified in 1 proband (frequency: 0.06) with autosomal dominant polycystic kidney disease (Viribay 1997). The variant was also identified in the LOVD 3.0 and in the ADPKD Mutation Database (as Definitely Pathogenic). It was not identified in dbSNP, ClinVar or in the PKD1-LOVD databases, nor was it identified in the following control databases: the Exome Aggregation Consortium (August 8th 2016), or the Genome Aggregation Database (Feb 27, 2017). The p.Gln555* variant leads to a premature stop codon at position 555, which is predicted to lead to a truncated or absent protein and loss of function. Loss of function variants of the PKD2 gene are an established mechanism of disease in autosomal dominant polycystic kidney disease and is the type of variant expected to cause the disorder. In summary, based on the above information this variant meets our laboratoryâ€šÃ„Ã´s criteria to be classified as pathogenic.